The following is an entry in ClinVar:

ClinVar aggregate classification (germline): Conflicting classifications of pathogenicity. Review status: criteria provided, conflicting classifications (1 of 4 stars). 2 submissions from 2 submitters: Uncertain significance (1); Benign (1). Last evaluated 2017-02-02.

Submissions (2):

Eurofins Ntd Llc (ga)
Classification: Uncertain significance. Last evaluated: 2017-02-02. Review status: criteria provided, single submitter. Criteria: EGL Classification Definitions 2015. Collection method: clinical testing. Allele origin: germline. Observed: 1 variant allele, 1 homozygote.

GeneDx
Classification: Benign. Last evaluated: 2016-08-04. Review status: criteria provided, single submitter. Criteria: GeneDx Variant Classification (06012015). Collection method: clinical testing. Allele origin: germline. Affected: yes.
Comment: This variant is considered likely benign or benign based on one or more of the following criteria: it is a conservative change, it occurs at a poorly conserved position in the protein, it is predicted to be benign by multiple in silico algorithms, and/or has population frequency not consistent with disease.

NM_000231.3(SGCG):c.579-21_579-20del

Gene: SGCG (sarcoglycan gamma; plus strand). Cytogenetic location: 13q12.12.
Variant type: Microsatellite.
Coding change: c.579-21_579-20del on transcript NM_000231.3 (MANE Select); 21 bases into the intron before coding-DNA position 579 through 20 bases into the intron before coding-DNA position 579, 2 bases deleted (TG; older notation c.579-21_579-20delTG).
Molecular consequence: intron variant.
Genome position (GRCh38, 1-based): chr13:23,320,616-23,320,617, TG deleted; deleting any 2 consecutive bases within chr13:23,320,614-23,320,617 gives the same sequence; the c. name uses the placement nearest the transcript's 3' end. VCF-style (leftmost placement, unchanged base first): chr13-23320613-TTG-T. GRCh37 (hg19) VCF-style: chr13-23894752-TTG-T.
Other names: c.633-21_633-20del (NM_001378244.1); c.579-21_579-20del (NM_001378245.1, NM_001378246.1); c.579-21_579-20delTG (NM_000231.2).
Identifiers: ClinVar variation 420518 (VCV000420518.5), dbSNP rs769893030, ClinGen allele CA6909777.